The following is an entry in ClinVar:

NM_001348800.3(ZBTB20):c.2211T>A (p.His737Gln)

Gene: ZBTB20 (zinc finger and BTB domain containing 20; minus strand). Cytogenetic location: 3q13.31.
Variant type: single nucleotide variant.
Coding change: c.2211T>A on transcript NM_001348800.3 (MANE Select); coding-DNA position 2211, T replaced by A.
Protein change: p.His737Gln; replaces histidine 737 with glutamine.
Molecular consequence: missense variant. On other transcripts: non-coding transcript variant (1).
Genome position (GRCh38, 1-based): chr3:114,339,020, A>T on the plus strand (T>A on the coding strand, the complement: ZBTB20 is on the minus strand). VCF-style: chr3-114339020-A-T. GRCh37 (hg19) VCF-style: chr3-114057867-A-T.
Other names: c.2211T>A, p.His737Gln (NM_001164342.2, NM_001348803.3, NM_001393393.1 and 1 more transcripts); c.1992T>A, p.His664Gln (NM_001164343.2, NM_001164344.4, NM_001164345.4 and 9 more transcripts); short protein forms H664Q, H737Q.
Identifiers: ClinVar variation 3360815 (VCV003360815.1).
Genomic context (GRCh38, chr3:114,339,020, plus strand): 5'-TGTTGTTGTTTTGTTTTGTTCATAAGAAAGAGAGAAAGATACTACTTATCCGTCAGACAC[A>T]TGCATCCTCATGTGGTCGTTGAACTGCTCGATTTGGTCAAACTTTGCTGGGCAGACGGAG-3'
Protein context (NP_001335729.1, residues 727-741): IEQFNDHMRM[His737Gln]VSDG

ClinVar aggregate classification (germline): Uncertain significance (1 of 4 stars; one submission).

Submission:

GeneDx
Classification: Uncertain significance. Last evaluated: 2023-07-04. Review status: criteria provided, single submitter. Criteria: GeneDx Variant Classification Process June 2021. Collection method: clinical testing. Allele origin: germline. Affected: yes.
Comment: Not observed at significant frequency in large population cohorts (gnomAD); In silico analysis supports that this missense variant has a deleterious effect on protein structure/function; Has not been previously published as pathogenic or benign to our knowledge